The following is an entry in ClinVar:

ClinVar aggregate classification (germline): Uncertain significance (1 of 4 stars; one submission).

gnomAD v4.1: 3 of 1,550,344 alleles (0.00019%); highest among the groups gnomAD compares: East Asian, 0.0024%; no homozygotes.

Submission:

GeneDx
Classification: Uncertain significance. Last evaluated: 2024-10-21. Review status: criteria provided, single submitter. Criteria: GeneDx Variant Classification Process June 2021. Collection method: clinical testing. Allele origin: germline. Affected: yes.
Comment: Not observed at significant frequency in large population cohorts (gnomAD); In silico analysis supports that this missense variant has a deleterious effect on protein structure/function; Has not been previously published as pathogenic or benign to our knowledge

NM_001145026.2(PTPRQ):c.5915G>A (p.Arg1972Gln)

Gene: PTPRQ (protein tyrosine phosphatase receptor type Q; plus strand). Cytogenetic location: 12q21.31.
Variant type: single nucleotide variant.
Coding change: c.5915G>A on transcript NM_001145026.2 (MANE Select); coding-DNA position 5915, G replaced by A.
Protein change: p.Arg1972Gln; replaces arginine 1972 with glutamine.
Molecular consequence: missense variant.
Genome position (GRCh38, 1-based): chr12:80,635,073, G>A. VCF-style: chr12-80635073-G-A. GRCh37 (hg19) VCF-style: chr12-81028852-G-A.
Other names: short protein forms R1972Q.
Identifiers: ClinVar variation 3781181 (VCV003781181.1).